The following is an entry in ClinVar:

NC_000009.12:g.35658040A>G

Gene: RMRP (RNA component of mitochondrial RNA processing endoribonuclease; minus strand). Cytogenetic location: 9p13.3.
Variant type: single nucleotide variant.
Genome position: GRCh38 VCF-style: chr9-35658040-A-G. GRCh37 (hg19) VCF-style: chr9-35658037-A-G.
Identifiers: ClinVar variation 836322 (VCV000836322.5), dbSNP rs947939533, ClinGen allele CA192745778.

ClinVar aggregate classification (germline): Uncertain significance. Review status: criteria provided, multiple submitters, no conflicts (2 of 4 stars). 3 submissions from 3 submitters: Uncertain significance (2). 1 of the submissions does not count toward it. Last evaluated 2023-12-13.

Conditions:
Metaphyseal chondrodysplasia, McKusick type (CHH). Also called: Cartilage-hair hypoplasia; Cartilage-Hair Hypoplasia (CHH). Identifiers: Orphanet 175, MedGen C0220748, MONDO:0009595, OMIM 250250.
Anauxetic dysplasia. Identifiers: Orphanet 93347, MedGen C1846796, MONDO:0011773.

Allele frequency attached by ClinVar (database versions not stated): TOPMed 0.00007; gnomAD exomes 0.00008.

Submissions (3):

Women's Health and Genetics/Laboratory Corporation of America, LabCorp
Classification: Uncertain significance. Last evaluated: 2023-12-13. Review status: criteria provided, single submitter. Criteria: LabCorp Variant Classification Summary - May 2015. Collection method: clinical testing. Allele origin: germline.
Comment: Variant summary: RMRP n.-22T>C alters a non-conserved nucleotide and is located in the untranscribed region upstream of the RMRP gene region. The variant allele was found at a frequency of 3.3e-05 in 666080 control chromosomes (gnomAD v4). This frequency is not significantly higher than estimated for a pathogenic variant in RMRP causing Cartilage-Hair Hypoplasia (3.3e-05 vs 0.0072), allowing no conclusion about variant significance. To our knowledge, no occurrence of n.-22T>C in individuals affected with Cartilage-Hair Hypoplasia and no experimental evidence demonstrating its impact on protein function have been reported. Two submitters have reported clinical-significance assessments for this variant to ClinVar after 2014. Both submitters classified the variant as uncertain significance. Based on the evidence outlined above, the variant was classified as uncertain significance.

Labcorp Genetics (formerly Invitae), Labcorp
Classification: Uncertain significance for Anauxetic dysplasia. Last evaluated: 2022-10-21. Review status: criteria provided, single submitter. Criteria: Invitae Variant Classification Sherloc (09022015). Collection method: clinical testing. Allele origin: germline.
Comment: This variant occurs in the RMRP gene, which encodes an RNA molecule that does not result in a protein product. The frequency data for this variant in the population databases is considered unreliable, as metrics indicate poor data quality at this position in the gnomAD database. This variant has not been reported in the literature in individuals affected with RMRP-related conditions. ClinVar contains an entry for this variant (Variation ID: 836322). Experimental studies and prediction algorithms are not available or were not evaluated, and the functional significance of this variant is currently unknown. In summary, the available evidence is currently insufficient to determine the role of this variant in disease. Therefore, it has been classified as a Variant of Uncertain Significance.

Natera, Inc.
Classification: Uncertain significance for Cartilage-hair hypoplasia. Last evaluated: 2020-01-24. Review status: no assertion criteria provided. Collection method: clinical testing. Allele origin: germline. Not counted in ClinVar's aggregate classification.